The following is an entry in ClinVar:

NM_001267550.2(TTN):c.98504_98505del (p.Arg32835fs)

Genes: TTN-AS1 (TTN antisense RNA 1; plus strand), TTN (titin; minus strand). Cytogenetic location: 2q31.2.
Variant type: Microsatellite.
Coding change: c.98504_98505del on transcript NM_001267550.2 (MANE Select); coding-DNA positions 98504 to 98505, 2 bases deleted (GA; older notation c.98504_98505delGA).
Protein change: p.Arg32835fs; shifts the reading frame from arginine 32835.
Molecular consequence: frameshift variant. On other transcripts: non-coding transcript variant (1).
Genome position (GRCh38, 1-based): chr2:178,539,560-178,539,561, TC deleted on the plus strand (GA on the coding strand, the reverse complement: TTN is on the minus strand); deleting any 2 consecutive bases within chr2:178,539,560-178,539,565 gives the same sequence; the c. name uses the placement nearest the transcript's 3' end. VCF-style (leftmost placement, unchanged base first): chr2-178539559-GTC-G. GRCh37 (hg19) VCF-style: chr2-179404286-GTC-G.
Other names: c.93581_93582del, p.Arg31194fs (NM_001256850.1); c.98500_98501GA[2], p.Arg32835Thrfs (NM_001267550.1); c.71885_71886del, p.Arg23962fs (NM_133437.4); c.98504_98505del (NM_001267550.1); c.90800_90801del, p.Arg30267fs (NM_133378.4); c.71684_71685del, p.Arg23895fs (NM_133432.3); c.71309_71310del, p.Arg23770fs (NM_003319.4); short protein forms R23770fs, R23895fs, R23962fs, R30267fs, R31194fs, R32835fs.
Identifiers: ClinVar variation 3340326 (VCV003340326.1).

ClinVar aggregate classification (germline): Likely pathogenic (1 of 4 stars; one submission).

Submission:

GeneDx
Classification: Likely pathogenic. Last evaluated: 2023-11-29. Review status: criteria provided, single submitter. Criteria: GeneDx Variant Classification Process June 2021. Collection method: clinical testing. Allele origin: germline. Affected: yes.
Comment: Identified in a patient with DCM in published literature (PMID: 27532257); Not observed at significant frequency in large population cohorts (gnomAD); Frameshift variant predicted to result in protein truncation or nonsense mediated decay in a gene for which loss of function is a known mechanism of disease; Located in the A-band region of TTN in which the majority of loss of function variants have been associated with autosomal dominant titinopathies (PMID: 22335739); This variant is associated with the following publications: (PMID: 22335739, 27532257)